The following is an entry in ClinVar:

ClinVar aggregate classification (germline): Uncertain significance (1 of 4 stars; one submission).

Conditions:
Dyskeratosis congenita. Identifiers: Orphanet 1775, MedGen C0265965, MONDO:0015780.

Allele frequency attached by ClinVar (database versions not stated): ExAC 0.00001; gnomAD 0.00001.
gnomAD v4.1: 7 of 1,613,656 alleles (0.00043%); highest among the groups gnomAD compares: Non-Finnish European, 0.00059%; no homozygotes.

Submission:

Labcorp Genetics (formerly Invitae), Labcorp
Classification: Uncertain significance for Dyskeratosis congenita. Last evaluated: 2022-08-29. Review status: criteria provided, single submitter. Criteria: Invitae Variant Classification Sherloc (09022015). Collection method: clinical testing. Allele origin: germline.
Comment: This sequence change replaces glycine, which is neutral and non-polar, with serine, which is neutral and polar, at codon 119 of the NHP2 protein (p.Gly119Ser). This variant is present in population databases (rs750874926, gnomAD 0.0009%). This variant has not been reported in the literature in individuals affected with NHP2-related conditions. Algorithms developed to predict the effect of missense changes on protein structure and function are either unavailable or do not agree on the potential impact of this missense change (SIFT: "Deleterious"; PolyPhen-2: "Probably Damaging"; Align-GVGD: "Class C0"). In summary, the available evidence is currently insufficient to determine the role of this variant in disease. Therefore, it has been classified as a Variant of Uncertain Significance.

NM_017838.4(NHP2):c.355G>A (p.Gly119Ser)

Genes: RMND5B (required for meiotic nuclear division 5 homolog B; plus strand), NHP2 (NHP2 ribonucleoprotein; minus strand). Cytogenetic location: 5q35.3.
Variant type: single nucleotide variant.
Coding change: c.355G>A on transcript NM_017838.4 (MANE Select); coding-DNA position 355, G replaced by A.
Protein change: p.Gly119Ser; replaces glycine 119 with serine.
Molecular consequence: missense variant. On other transcripts: synonymous variant (2), 3 prime UTR variant (3).
Genome position (GRCh38, 1-based): chr5:178,149,820, C>T on the plus strand (G>A on the coding strand, the complement: NHP2 is on the minus strand). VCF-style: chr5-178149820-C-T. GRCh37 (hg19) VCF-style: chr5-177576821-C-T.
Other names: c.249G>A, p.Gln83= (NM_001034833.2); c.483G>A, p.Gln161= (NM_001396110.1); c.*1788C>T (NM_001288794.2, NM_001288795.2, NM_022762.5); short protein forms G119S.
Identifiers: ClinVar variation 1917923 (VCV001917923.2), dbSNP rs750874926, ClinGen allele CA3589121.